The following is an entry in ClinVar:

NM_018489.3(ASH1L):c.7291A>G (p.Asn2431Asp)

Gene: ASH1L (ASH1 like histone lysine methyltransferase; minus strand). Cytogenetic location: 1q22.
Variant type: single nucleotide variant.
Coding change: c.7291A>G on transcript NM_018489.3 (MANE Select); coding-DNA position 7291, A replaced by G.
Protein change: p.Asn2431Asp; replaces asparagine 2431 with aspartic acid.
Molecular consequence: missense variant.
Genome position (GRCh38, 1-based): chr1:155,352,781, T>C on the plus strand (A>G on the coding strand, the complement: ASH1L is on the minus strand). VCF-style: chr1-155352781-T-C. GRCh37 (hg19) VCF-style: chr1-155322572-T-C.
Other names: c.7306A>G, p.Asn2436Asp (NM_001366177.2); short protein forms N2431D, N2436D.
Identifiers: ClinVar variation 1033491 (VCV001033491.1), dbSNP rs1654048048, ClinGen allele CA342745243.

ClinVar aggregate classification (germline): Uncertain significance (1 of 4 stars; one submission).

Conditions:
Intellectual developmental disorder, autosomal dominant 52. Also called: Mental retardation, autosomal dominant 52; Intellectual disability, autosomal dominant 52. Identifiers: MedGen C4540478, MONDO:0030918, OMIM 617796.

Submission:

Baylor Genetics
Classification: Uncertain significance for Intellectual developmental disorder, autosomal dominant 52. Last evaluated: 2018-04-19. Review status: criteria provided, single submitter. Criteria: ACMG Guidelines, 2015. Collection method: clinical testing. Allele origin: maternal. Affected: yes.
Comment: This variant was determined to be of uncertain significance according to ACMG Guidelines, 2015 [PMID:25741868].